The following is an entry in ClinVar:

ClinVar aggregate classification (germline): Uncertain significance (1 of 4 stars; one submission).

Conditions:
Peroxisome biogenesis disorder 2B (PBD2B). Identifiers: Orphanet 44, MedGen C3550234, MONDO:0008736, OMIM 202370.

Submission:

Labcorp Genetics (formerly Invitae), Labcorp
Classification: Uncertain significance for Peroxisome biogenesis disorder 2B. Last evaluated: 2021-03-09. Review status: criteria provided, single submitter. Criteria: Invitae Variant Classification Sherloc (09022015). Collection method: clinical testing. Allele origin: germline.
Comment: In summary, the available evidence is currently insufficient to determine the role of this variant in disease. Therefore, it has been classified as a Variant of Uncertain Significance. Algorithms developed to predict the effect of missense changes on protein structure and function are either unavailable or do not agree on the potential impact of this missense change (SIFT: "Deleterious"; PolyPhen-2: "Benign"; Align-GVGD: "Class C0"). This variant has not been reported in the literature in individuals with PEX5-related conditions. This variant is not present in population databases (ExAC no frequency). This sequence change replaces leucine with serine at codon 463 of the PEX5 protein (p.Leu463Ser). The leucine residue is moderately conserved and there is a large physicochemical difference between leucine and serine.

NM_001351132.2(PEX5):c.1388T>C (p.Leu463Ser)

Gene: PEX5 (peroxisomal biogenesis factor 5; plus strand). Cytogenetic location: 12p13.31.
Variant type: single nucleotide variant.
Coding change: c.1388T>C on transcript NM_001351132.2 (MANE Select); coding-DNA position 1388, T replaced by C.
Protein change: p.Leu463Ser; replaces leucine 463 with serine.
Molecular consequence: missense variant.
Genome position (GRCh38, 1-based): chr12:7,208,663, T>C. VCF-style: chr12-7208663-T-C. GRCh37 (hg19) VCF-style: chr12-7361259-T-C.
Other names: c.1364T>C, p.Leu455Ser (NM_000319.5); c.1433T>C, p.Leu478Ser (NM_001131023.2); c.1277T>C, p.Leu426Ser (NM_001131024.2, NM_001351124.3, NM_001351126.2 and 7 more transcripts); c.1388T>C, p.Leu463Ser (NM_001131025.2, NM_001131026.2, NM_001300789.3 and 4 more transcripts); c.1322T>C, p.Leu441Ser (NM_001351135.3, NM_001351138.2); c.1379T>C, p.Leu460Ser (NM_001351136.2); c.1253T>C, p.Leu418Ser (NM_001351139.2, NM_001351140.2, NM_001374649.2); short protein forms L455S, L460S, L478S, L418S, L426S, L441S, L463S.
Identifiers: ClinVar variation 1487699 (VCV001487699.8), dbSNP rs2136238274, ClinGen allele CA383734188.
Genomic context (GRCh38, chr12:7,208,663, plus strand): 5'-CTGAAGAAGGGGCTGGTGGGGCAGGACTGGGCCCCAGCAAGCGTATCCTGGGATCTCTCT[T>C]GTCTGAGTGAGTATGAGGGGTTCCTAGGATGAGGAATTACAGTAACCTAAGTCCCAGTAG-3'
Protein context (NP_001338061.1, residues 453-473): GPSKRILGSL[Leu463Ser]SDSLFLEVKE